The following is an entry in ClinVar:

NM_000540.3(RYR1):c.11517-7T>C

Gene: RYR1 (ryanodine receptor 1; plus strand). Cytogenetic location: 19q13.2.
Variant type: single nucleotide variant.
Coding change: c.11517-7T>C on transcript NM_000540.3 (MANE Select); 7 bases into the intron before coding-DNA position 11517, T replaced by C.
Molecular consequence: intron variant.
Genome position (GRCh38, 1-based): chr19:38,535,990, T>C. VCF-style: chr19-38535990-T-C. GRCh37 (hg19) VCF-style: chr19-39026630-T-C.
Other names: c.11502-7T>C (NM_001042723.2).
Identifiers: ClinVar variation 3071647 (VCV003071647.2), dbSNP rs2514535422, ClinGen allele CA2825002800.

ClinVar aggregate classification (germline): Likely benign. Review status: criteria provided, multiple submitters, no conflicts (2 of 4 stars). 2 submissions from 2 submitters: Likely benign (2). Last evaluated 2023-06-08.

Conditions:
Malignant hyperthermia, susceptibility to, 1 (MHS1). Also called: Anesthesia related hyperthermia; Malignant hyperpyrexia; Fulminating hyperpyrexia; Pharmacogenic myopathy; RYR1-Related Malignant Hyperthermia Susceptibility; Malignant hyperthermia suceptibility 1. Identifiers: Orphanet 423, MedGen C2930980, MONDO:0007783, OMIM 145600.

Submissions (2):

All of Us Research Program, National Institutes of Health
Classification: Likely benign for Malignant hyperthermia, susceptibility to, 1. Last evaluated: 2023-06-08. Review status: criteria provided, single submitter. Criteria: ACMG Guidelines, 2015. Collection method: clinical testing. Allele origin: germline. Inheritance: Autosomal dominant inheritance. Observed: 1 variant allele, 1 heterozygote.
Comment: This study involves interpretation of variants in research participants for the purpose of population health screening. Participant phenotype was not available at the time of variant classification. Additional details can be found in publication PMID: 35346344, PMCID: PMC8962531

Color Diagnostics, LLC DBA Color Health
Classification: Likely benign for Malignant hyperthermia, susceptibility to, 1. Last evaluated: 2022-12-22. Review status: criteria provided, single submitter. Criteria: ACMG Guidelines, 2015. Collection method: clinical testing. Allele origin: germline.